The following is an entry in ClinVar:

NM_001199138.2(NLRC4):c.612_613delinsAA (p.Leu205Ile)

Gene: NLRC4 (NLR family CARD domain containing 4; minus strand). Cytogenetic location: 2p22.3.
Variant type: Indel.
Coding change: c.612_613delinsAA on transcript NM_001199138.2 (MANE Select); coding-DNA positions 612 to 613, TC replaced by AA.
Protein change: p.Leu205Ile; replaces leucine 205 with isoleucine.
Molecular consequence: missense variant. On other transcripts: intron variant (1).
Genome position (GRCh38, 1-based): chr2:32,251,251-32,251,252, GA replaced by TT on the plus strand (TC replaced by AA on the coding strand, the reverse complement: NLRC4 is on the minus strand). VCF-style: chr2-32251251-GA-TT. GRCh37 (hg19) VCF-style: chr2-32476320-GA-TT.
Other names: c.612_613delTCinsAA, p.Leu205Ile (NM_001199139.2, NM_021209.5); c.262+1167_262+1168delinsAA (NM_001302504.1); short protein forms L205I.
Identifiers: ClinVar variation 1936526 (VCV001936526.5), dbSNP rs2466763195, ClinGen allele CA2580066397.

ClinVar aggregate classification (germline): Uncertain significance (1 of 4 stars; one submission).

Conditions:
Periodic fever-infantile enterocolitis-autoinflammatory syndrome. Also called: Autoinflammation with infantile enterocolitis. Identifiers: Orphanet 436166, MedGen C4015067, MONDO:0014472, OMIM 616050.
Familial cold autoinflammatory syndrome 4 (FCAS4). Identifiers: Orphanet 47045, Orphanet 576349, MedGen C4015276, MONDO:0014498, OMIM 616115.

Submission:

Labcorp Genetics (formerly Invitae), Labcorp
Classification: Uncertain significance for Periodic fever-infantile enterocolitis-autoinflammatory syndrome; Familial cold autoinflammatory syndrome 4. Last evaluated: 2022-07-30. Review status: criteria provided, single submitter. Criteria: Invitae Variant Classification Sherloc (09022015). Collection method: clinical testing. Allele origin: germline.
Comment: In summary, the available evidence is currently insufficient to determine the role of this variant in disease. Therefore, it has been classified as a Variant of Uncertain Significance. Experimental studies and prediction algorithms are not available or were not evaluated, and the functional significance of this variant is currently unknown. This variant has not been reported in the literature in individuals affected with NLRC4-related conditions. Information on the frequency of this variant in the gnomAD database is not available, as this variant may be reported differently in the database. This sequence change replaces leucine, which is neutral and non-polar, with isoleucine, which is neutral and non-polar, at codon 205 of the NLRC4 protein (p.Leu205Ile).